The following is an entry in ClinVar:

NM_000051.4(ATM):c.4555G>C (p.Val1519Leu)

Gene: ATM (ATM serine/threonine kinase; plus strand). Cytogenetic location: 11q22.3.
Variant type: single nucleotide variant.
Coding change: c.4555G>C on transcript NM_000051.4 (MANE Select); coding-DNA position 4555, G replaced by C.
Protein change: p.Val1519Leu; replaces valine 1519 with leucine.
Molecular consequence: missense variant.
Genome position (GRCh38, 1-based): chr11:108,292,737, G>C. VCF-style: chr11-108292737-G-C. GRCh37 (hg19) VCF-style: chr11-108163464-G-C.
Other names: c.4555G>C, p.Val1519Leu (NM_001351834.2); short protein forms V1519L.
Identifiers: ClinVar variation 453525 (VCV000453525.14), dbSNP rs969120822, ClinGen allele CA228378392.

ClinVar aggregate classification (germline): Uncertain significance. Review status: criteria provided, multiple submitters, no conflicts (2 of 4 stars). 4 submissions from 4 submitters: Uncertain significance (3). 1 of the submissions does not count toward it. Last evaluated 2026-02-24.

Conditions:
Familial cancer of breast. Also called: BREAST CANCER, FAMILIAL; hereditary breast carcinoma; Hereditary breast cancer. Identifiers: Orphanet 227535, MedGen C0346153, MONDO:0016419, OMIM 114480. Disease mechanism: loss of function.
Hereditary cancer-predisposing syndrome. Also called: Neoplastic Syndromes, Hereditary; Tumor predisposition; Hereditary neoplastic syndrome; Hereditary Cancer Syndrome. Identifiers: Orphanet 140162, MedGen C0027672, MeSH D009386, MONDO:0015356.
Ataxia-telangiectasia syndrome (AT). Also called: Ataxia-telangiectasia, complementation group D; Ataxia-telangiectasia, complementation group E; AT, COMPLEMENTATION GROUP C; ATAXIA-TELANGIECTASIA, COMPLEMENTATION GROUP A; ATAXIA-TELANGIECTASIA, FRESNO VARIANT; Ataxia-telangiectasia. Identifiers: Orphanet 100, MedGen C0004135, MONDO:0008840, OMIM 208900.

Allele frequency attached by ClinVar (database versions not stated): TOPMed below 0.00001.

Submissions (4):

Ambry Genetics
Classification: Uncertain significance for Hereditary cancer-predisposing syndrome. Last evaluated: 2026-02-24. Review status: criteria provided, single submitter. Criteria: Ambry Variant Classification Scheme 2023. Collection method: clinical testing. Allele origin: germline.
Comment: The p.V1519L variant (also known as c.4555G>C), located in coding exon 29 of the ATM gene, results from a G to C substitution at nucleotide position 4555. The valine at codon 1519 is replaced by leucine, an amino acid with highly similar properties. This amino acid position is conserved. In addition, the in silico prediction for this alteration is inconclusive. Based on the available evidence, the clinical significance of this variant remains unclear.

Labcorp Genetics (formerly Invitae), Labcorp
Classification: Uncertain significance for Ataxia-telangiectasia syndrome. Last evaluated: 2025-04-07. Review status: criteria provided, single submitter. Criteria: Invitae Variant Classification Sherloc (09022015). Collection method: clinical testing. Allele origin: germline.
Comment: This sequence change replaces valine, which is neutral and non-polar, with leucine, which is neutral and non-polar, at codon 1519 of the ATM protein (p.Val1519Leu). This variant is not present in population databases (gnomAD no frequency). This variant has not been reported in the literature in individuals affected with ATM-related conditions. ClinVar contains an entry for this variant (Variation ID: 453525). Invitae Evidence Modeling of protein sequence and biophysical properties (such as structural, functional, and spatial information, amino acid conservation, physicochemical variation, residue mobility, and thermodynamic stability) indicates that this missense variant is not expected to disrupt ATM protein function with a negative predictive value of 95%. In summary, the available evidence is currently insufficient to determine the role of this variant in disease. Therefore, it has been classified as a Variant of Uncertain Significance.

Baylor Genetics
Classification: Uncertain significance for Familial cancer of breast. Last evaluated: 2023-06-26. Review status: criteria provided, single submitter. Criteria: ACMG Guidelines, 2015. Collection method: clinical testing. Allele origin: unknown.

Natera, Inc.
Classification: Uncertain significance for Ataxia-telangiectasia. Last evaluated: 2020-12-17. Review status: no assertion criteria provided. Collection method: clinical testing. Allele origin: germline. Not counted in ClinVar's aggregate classification.